The following is an entry in ClinVar:

ClinVar aggregate classification (germline): Uncertain significance. Review status: criteria provided, multiple submitters, no conflicts (2 of 4 stars). 2 submissions from 2 submitters: Uncertain significance (2). Last evaluated 2025-06-24.

Conditions:
Malignant hyperthermia, susceptibility to, 5 (MHS5). Also called: CACNA1S-Related Malignant Hyperthermia Susceptibility. Identifiers: Orphanet 423, MedGen C1866077, MONDO:0011163, OMIM 601887.

Allele frequency attached by ClinVar (database versions not stated): gnomAD exomes below 0.00001.
gnomAD v4.1: 5 of 1,611,628 alleles (0.00031%); highest among the groups gnomAD compares: South Asian, 0.0044%; no homozygotes.

Submissions (2):

Color Diagnostics, LLC DBA Color Health
Classification: Uncertain significance for Malignant hyperthermia, susceptibility to, 5. Last evaluated: 2025-06-24. Review status: criteria provided, single submitter. Criteria: ACMG Guidelines, 2015. Collection method: clinical testing. Allele origin: germline.
Comment: This variant causes a G to A nucleotide substitution at the +3 position of intron 20 of the CACNA1S gene. To our knowledge, RNA studies have not been reported for this variant. This variant has not been reported in individuals affected with CACNA1S-related disorders in the literature. This variant has been identified in 1/250980 chromosomes in the general population by the Genome Aggregation Database (gnomAD). The available evidence is insufficient to determine the role of this variant in disease conclusively. Therefore, this variant is classified as a Variant of Uncertain Significance.

All of Us Research Program, National Institutes of Health
Classification: Uncertain significance for Malignant hyperthermia, susceptibility to, 5. Last evaluated: 2023-08-15. Review status: criteria provided, single submitter. Criteria: ACMG Guidelines, 2015. Collection method: clinical testing. Allele origin: germline. Inheritance: Autosomal dominant inheritance. Observed: 2 variant alleles, 2 heterozygotes.
Comment: This variant causes a G to A nucleotide substitution at the +3 position of intron 20 of the CACNA1S gene. To our knowledge, functional studies have not been reported for this variant. This variant has not been reported in individuals affected with CACNA1S-related disorders in the literature. This variant has been identified in 1/250980 chromosomes in the general population by the Genome Aggregation Database (gnomAD). The available evidence is insufficient to determine the role of this variant in disease conclusively. Therefore, this variant is classified as a Variant of Uncertain Significance.

This study involves interpretation of variants in research participants for the purpose of population health screening. Participant phenotype was not available at the time of variant classification. Additional details can be found in publication PMID: 35346344, PMCID: PMC8962531

NM_000069.3(CACNA1S):c.2657+3G>A

Gene: CACNA1S (calcium voltage-gated channel subunit alpha1 S; minus strand). Cytogenetic location: 1q32.1.
Variant type: single nucleotide variant.
Coding change: c.2657+3G>A on transcript NM_000069.3 (MANE Select); 3 bases into the intron after coding-DNA position 2657, G replaced by A.
Molecular consequence: intron variant.
Genome position (GRCh38, 1-based): chr1:201,066,884, C>T on the plus strand (G>A on the coding strand, the complement: CACNA1S is on the minus strand). VCF-style: chr1-201066884-C-T. GRCh37 (hg19) VCF-style: chr1-201036012-C-T.
Identifiers: ClinVar variation 3071579 (VCV003071579.2), dbSNP rs1210728236, ClinGen allele CA528303554.
Genomic context (GRCh38, chr1:201,066,884, plus strand): 5'-ACAAAGCCCTGGCACAGAGCAGAGGGTGGTCTGTGCCCAGGGCTGGCCCTTGCCGCTGCT[C>T]ACTCAAGTCCCATGGAGATGAGGGACACGGCCACCACCAGCAGGTCCAGCATGTTGAAGT-3'